The following is an entry in ClinVar:

NM_002474.3(MYH11):c.5787-4737G>A

Genes: NDE1 (nudE neurodevelopment protein 1; plus strand), MYH11 (myosin heavy chain 11; minus strand). Cytogenetic location: 16p13.11.
Variant type: single nucleotide variant.
Coding change: c.5787-4737G>A on transcript NM_002474.3 (MANE Select); 4737 bases into the intron before coding-DNA position 5787, G replaced by A.
Molecular consequence: intron variant.
Genome position (GRCh38, 1-based): chr16:15,708,860, C>T on the plus strand (G>A on the coding strand, the complement: MYH11 is on the minus strand). VCF-style: chr16-15708860-C-T. GRCh37 (hg19) VCF-style: chr16-15802717-C-T.
Other names: c.947+12000C>T (NM_001143979.2, NM_017668.3); c.5787-19G>A (NM_022844.3); c.5808-4737G>A (NM_001040114.2); c.5808-19G>A (NM_001040113.2).
Identifiers: ClinVar variation 516344 (VCV000516344.8), dbSNP rs769187225, ClinGen allele CA7921118.

ClinVar aggregate classification (germline): Likely benign. Review status: criteria provided, multiple submitters, no conflicts (2 of 4 stars). 2 submissions from 2 submitters: Likely benign (2). Last evaluated 2024-12-23.

Conditions:
Aortic aneurysm, familial thoracic 4 (AAT4). Also called: AORTIC ANEURYSM/AORTIC DISSECTION AND PATENT DUCTUS ARTERIOSUS. Identifiers: MedGen C1851504, MONDO:0007568, OMIM 132900.

Allele frequency attached by ClinVar (database versions not stated): ExAC 0.00001; gnomAD exomes 0.00001.
gnomAD v4.1: 13 of 1,608,300 alleles (0.00081%); highest among the groups gnomAD compares: Non-Finnish European, 0.001%; no homozygotes.

Submissions (2):

Labcorp Genetics (formerly Invitae), Labcorp
Classification: Likely benign for Aortic aneurysm, familial thoracic 4. Last evaluated: 2024-12-23. Review status: criteria provided, single submitter. Criteria: Invitae Variant Classification Sherloc (09022015). Collection method: clinical testing. Allele origin: germline.

GeneDx
Classification: Likely benign. Last evaluated: 2017-08-16. Review status: criteria provided, single submitter. Criteria: GeneDx Variant Classification (06012015). Collection method: clinical testing. Allele origin: germline. Affected: yes.
Comment: This variant is considered likely benign or benign based on one or more of the following criteria: it is a conservative change, it occurs at a poorly conserved position in the protein, it is predicted to be benign by multiple in silico algorithms, and/or has population frequency not consistent with disease.